The following is an entry in ClinVar:

NM_007078.3(LDB3):c.56G>C (p.Gly19Ala)

Gene: LDB3 (LIM domain binding 3; plus strand). Cytogenetic location: 10q23.2.
Variant type: single nucleotide variant.
Coding change: c.56G>C on transcript NM_007078.3 (MANE Select); coding-DNA position 56, G replaced by C.
Protein change: p.Gly19Ala; replaces glycine 19 with alanine.
Molecular consequence: missense variant.
Genome position (GRCh38, 1-based): chr10:86,668,747, G>C. VCF-style: chr10-86668747-G-C. GRCh37 (hg19) VCF-style: chr10-88428504-G-C.
Other names: c.56G>C, p.Gly19Ala (NM_001368067.1, NM_001368068.1, NM_001080114.2 and 8 more transcripts); c.56G>C (NM_007078.2); short protein forms G19A.
Identifiers: ClinVar variation 1306084 (VCV001306084.10), dbSNP rs753314972, ClinGen allele CA5584570.

ClinVar aggregate classification (germline): Uncertain significance. Review status: criteria provided, multiple submitters, no conflicts (2 of 4 stars). 4 submissions from 4 submitters: Uncertain significance (4). Last evaluated 2026-09-21.

Conditions:
Cardiovascular phenotype. Identifiers: MedGen CN230736.
Myofibrillar myopathy 4. Also called: Zaspopathy (type). Identifiers: Orphanet 98912, MedGen C4721886, MONDO:0012277, OMIM 609452.

Allele frequency attached by ClinVar (database versions not stated): gnomAD 0.00001; gnomAD exomes 0.00001 and 0.00002; ExAC 0.00002.
gnomAD v4.1: 29 of 1,613,198 alleles (0.0018%); highest among the groups gnomAD compares: Non-Finnish European, 0.0023%; no homozygotes.

Submissions (4):

GeneDx
Classification: Uncertain significance. Last evaluated: 2026-09-21. Review status: criteria provided, single submitter. Criteria: GeneDx Variant Classification Process June 2021. Collection method: clinical testing. Allele origin: germline.
Comment: Identified in siblings from a cohort of patients with dilated cardiomyopathy in published literature; however, detailed clinical information was not available and they also harbored a truncating variant in the TTN gene (PMID: 28045975); In silico analysis supports that this missense variant has a deleterious effect on protein structure/function; This variant is associated with the following publications: (PMID: 28045975)

Labcorp Genetics (formerly Invitae), Labcorp
Classification: Uncertain significance for Myofibrillar myopathy 4. Last evaluated: 2025-12-23. Review status: criteria provided, single submitter. Criteria: Invitae Variant Classification Sherloc (09022015). Collection method: clinical testing. Allele origin: germline.
Comment: This sequence change replaces glycine, which is neutral and non-polar, with alanine, which is neutral and non-polar, at codon 19 of the LDB3 protein (p.Gly19Ala). This variant is present in population databases (rs753314972, gnomAD 0.003%). This variant has not been reported in the literature in individuals affected with LDB3-related conditions. ClinVar contains an entry for this variant (Variation ID: 1306084). An algorithm developed to predict the effect of missense changes on protein structure and function (PolyPhen-2) suggests that this variant is likely to be disruptive. In summary, the available evidence is currently insufficient to determine the role of this variant in disease. Therefore, it has been classified as a Variant of Uncertain Significance.

Ambry Genetics
Classification: Uncertain significance for Cardiovascular phenotype. Last evaluated: 2024-12-23. Review status: criteria provided, single submitter. Criteria: Ambry Variant Classification Scheme 2023. Collection method: clinical testing. Allele origin: germline.
Comment: The p.G19A variant (also known as c.56G>C), located in coding exon 1 of the LDB3 gene, results from a G to C substitution at nucleotide position 56. The glycine at codon 19 is replaced by alanine, an amino acid with similar properties. This variant was reported in an individual in a dilated cardiomyopathy (DCM) cohort, but clinical details were limited and an additional TTN truncating variant was identified (Franaszczyk M et al. PLoS One, 2017 Jan;12:e0169007). This amino acid position is highly conserved in available vertebrate species. In addition, this alteration is predicted to be deleterious by in silico analysis. Based on the available evidence, the clinical significance of this variant remains unclear.

Blueprint Genetics
Classification: Uncertain significance. Last evaluated: 2023-11-11. Review status: criteria provided, single submitter. Criteria: ACMG Guidelines, 2015. Collection method: clinical testing. Allele origin: germline.

Literature cited by the submitters: PubMed 28045975 (cited by Ambry Genetics).